The following is an entry in ClinVar:

ClinVar aggregate classification (germline): Pathogenic (1 of 4 stars; one submission).

Conditions:
Neurofibromatosis, type 1 (NF1). Also called: Peripheral type neurofibromatosis; VON RECKLINGHAUSEN DISEASE; Neurofibromatosis, type I; NEUROFIBROMATOSIS, TYPE I, SOMATIC. Identifiers: Orphanet 636, MedGen C0027831, MONDO:0018975, OMIM 162200. Disease mechanism: loss of function.

Submission:

Labcorp Genetics (formerly Invitae), Labcorp
Classification: Pathogenic for Neurofibromatosis, type 1. Last evaluated: 2024-04-25. Review status: criteria provided, single submitter. Criteria: Invitae Variant Classification Sherloc (09022015). Collection method: clinical testing. Allele origin: germline.
Comment: This sequence change creates a premature translational stop signal (p.Met2501*) in the NF1 gene. It is expected to result in an absent or disrupted protein product. Loss-of-function variants in NF1 are known to be pathogenic (PMID: 10712197, 23913538). This variant is not present in population databases (gnomAD no frequency). This variant has not been reported in the literature in individuals affected with NF1-related conditions. For these reasons, this variant has been classified as Pathogenic.

Literature cited by the submitters: PubMed 10712197; PubMed 23913538.

NM_001042492.3(NF1):c.7563del (p.Ser2521_Met2522insTer)

Gene: NF1 (neurofibromin 1; plus strand). Cytogenetic location: 17q11.2.
Variant type: Deletion.
Coding change: c.7563del on transcript NM_001042492.3 (MANE Select); coding-DNA position 7563, one base deleted (C; older notation c.7563delC).
Protein change: p.Ser2521_Met2522insTer.
Molecular consequence: frameshift variant. On other transcripts: nonsense (1).
Genome position (GRCh38, 1-based): chr17:31,352,362, C deleted; the last of 2 consecutive C bases (chr17:31,352,361-31,352,362); deleting either gives the same sequence. VCF-style (leftmost placement, unchanged base first): chr17-31352360-TC-T. GRCh37 (hg19) VCF-style: chr17-29679378-TC-T.
Other names: c.7500delC, p.Met2501Terfs (NM_000267.4).
Identifiers: ClinVar variation 3651237 (VCV003651237.2).